The following is an entry in ClinVar:

NM_030665.4(RAI1):c.932A>T (p.Tyr311Phe)

Gene: RAI1 (retinoic acid induced 1; plus strand). Cytogenetic location: 17p11.2.
Variant type: single nucleotide variant.
Coding change: c.932A>T on transcript NM_030665.4 (MANE Select); coding-DNA position 932, A replaced by T.
Protein change: p.Tyr311Phe; replaces tyrosine 311 with phenylalanine.
Molecular consequence: missense variant.
Genome position (GRCh38, 1-based): chr17:17,793,880, A>T. VCF-style: chr17-17793880-A-T. GRCh37 (hg19) VCF-style: chr17-17697194-A-T.
Other names: short protein forms Y311F.
Identifiers: ClinVar variation 4990841 (VCV004990841.1).

ClinVar aggregate classification (germline): Uncertain significance (1 of 4 stars; one submission).

Conditions:
RAI1-related disorder. Also called: RAI1-related condition.

Submission:

PreventionGenetics, part of Exact Sciences
Classification: Uncertain significance for RAI1-related condition. Last evaluated: 2025-10-28. Review status: criteria provided, single submitter. Criteria: ACMG Guidelines, 2015. Collection method: clinical testing. Allele origin: germline.
Comment: The RAI1 c.932A>T variant is predicted to result in the amino acid substitution p.Tyr311Phe. To our knowledge, this variant has not been reported in the literature or in a large population database (gnomAD), indicating this variant is rare. At this time, the clinical significance of this variant is uncertain due to the absence of conclusive functional and genetic evidence.